The following is an entry in ClinVar:

NM_001291088.2(WDR87):c.7753T>C (p.Phe2585Leu)

Gene: WDR87 (WD repeat domain 87; minus strand). Cytogenetic location: 19q13.13.
Variant type: single nucleotide variant.
Coding change: c.7753T>C on transcript NM_001291088.2 (MANE Select); coding-DNA position 7753, T replaced by C.
Protein change: p.Phe2585Leu; replaces phenylalanine 2585 with leucine.
Molecular consequence: missense variant.
Genome position (GRCh38, 1-based): chr19:37,885,918, A>G on the plus strand (T>C on the coding strand, the complement: WDR87 is on the minus strand). VCF-style: chr19-37885918-A-G. GRCh37 (hg19) VCF-style: chr19-38376558-A-G.
Other names: c.7636T>C, p.Phe2546Leu (NM_031951.5); short protein forms F2546L, F2585L.
Identifiers: ClinVar variation 2079238 (VCV002079238.4), dbSNP rs1306565211, ClinGen allele CA405597889.
Genomic context (GRCh38, chr19:37,885,918, plus strand): 5'-GCAGCCATTCTAAGTTTCCCTTTGAGGCAAGGTCTTTGAGCAGCTGGCACAGTCTATGGA[A>G]ACCATCCCTGGAAAGCTGTTCTCCCGCTTCCATTCGTTCTAGGACATGGCGGATCCACTC-3'
Protein context (NP_001278017.1, residues 2575-2595): EAGEQLSRDG[Phe2585Leu]HRLCQLLKDL

ClinVar aggregate classification (germline): Uncertain significance (1 of 4 stars; one submission).

Allele frequency attached by ClinVar (database versions not stated): gnomAD 0.00006; TOPMed 0.00005; gnomAD exomes 0.00001.
gnomAD v4.1: 12 of 1,552,190 alleles (0.00077%); highest among the groups gnomAD compares: Admixed American, 0.024%; no homozygotes.

Submission:

Labcorp Genetics (formerly Invitae), Labcorp
Classification: Uncertain significance. Last evaluated: 2021-12-19. Review status: criteria provided, single submitter. Criteria: Invitae Variant Classification Sherloc (09022015). Collection method: clinical testing. Allele origin: germline.
Comment: Algorithms developed to predict the effect of missense changes on protein structure and function are either unavailable or do not agree on the potential impact of this missense change (SIFT: "Deleterious"; PolyPhen-2: "Not Available"; Align-GVGD: "Class C0"). In summary, the available evidence is currently insufficient to determine the role of this variant in disease. Therefore, it has been classified as a Variant of Uncertain Significance. This variant has not been reported in the literature in individuals affected with WDR87-related conditions. This sequence change replaces phenylalanine, which is neutral and non-polar, with leucine, which is neutral and non-polar, at codon 2546 of the WDR87 protein (p.Phe2546Leu). This variant is present in population databases (no rsID available, gnomAD 0.01%).